The following is an entry in ClinVar:

NM_002519.3(NPAT):c.4037C>A (p.Thr1346Asn)

Gene: NPAT (nuclear protein, coactivator of histone transcription; minus strand). Cytogenetic location: 11q22.3.
Variant type: single nucleotide variant.
Coding change: c.4037C>A on transcript NM_002519.3 (MANE Select); coding-DNA position 4037, C replaced by A.
Protein change: p.Thr1346Asn; replaces threonine 1346 with asparagine.
Molecular consequence: missense variant.
Genome position (GRCh38, 1-based): chr11:108,161,049, G>T on the plus strand (C>A on the coding strand, the complement: NPAT is on the minus strand). VCF-style: chr11-108161049-G-T. GRCh37 (hg19) VCF-style: chr11-108031776-G-T.
Other names: c.4058C>A, p.Thr1353Asn (NM_001321307.1); short protein forms T1346N, T1353N.
Identifiers: ClinVar variation 1737246 (VCV001737246.2), dbSNP rs756660117, ClinGen allele CA382509500.

ClinVar aggregate classification (germline): Uncertain significance (1 of 4 stars; one submission).

gnomAD v4.1: 1 of 1,614,160 alleles (0.000062%); highest among the groups gnomAD compares: Non-Finnish European, 0.000085%; no homozygotes.

Submission:

Ambry Genetics
Classification: Uncertain significance. Last evaluated: 2022-06-02. Review status: criteria provided, single submitter. Criteria: Ambry Variant Classification Scheme 2023. Collection method: clinical testing. Allele origin: germline.
Comment: The p.T1346N variant (also known as c.4037C>A), located in coding exon 17 of the NPAT gene, results from a C to A substitution at nucleotide position 4037. The threonine at codon 1346 is replaced by asparagine, an amino acid with similar properties. This amino acid position is conserved. In addition, this alteration is predicted to be tolerated by in silico analysis. Since supporting evidence is limited at this time, the clinical significance of this alteration remains unclear.